The following is an entry in ClinVar:

ClinVar aggregate classification (germline): Uncertain significance (1 of 4 stars; one submission).

gnomAD v4.1: 2 of 1,614,136 alleles (0.00012%); highest among the groups gnomAD compares: Non-Finnish European, 0.00017%; no homozygotes.

Submission:

Ambry Genetics
Classification: Uncertain significance. Last evaluated: 2024-11-10. Review status: criteria provided, single submitter. Criteria: Ambry Variant Classification Scheme 2023. Collection method: clinical testing. Allele origin: germline.
Comment: The p.Q78R variant (also known as c.233A>G), located in coding exon 2 of the BUB3 gene, results from an A to G substitution at nucleotide position 233. The glutamine at codon 78 is replaced by arginine, an amino acid with highly similar properties. This amino acid position is conserved. In addition, the in silico prediction for this alteration is inconclusive. Based on the available evidence, the clinical significance of this variant remains unclear.

NM_004725.4(BUB3):c.233A>G (p.Gln78Arg)

Gene: BUB3 (BUB3 mitotic checkpoint protein; plus strand). Cytogenetic location: 10q26.13.
Variant type: single nucleotide variant.
Coding change: c.233A>G on transcript NM_004725.4 (MANE Select); coding-DNA position 233, A replaced by G.
Protein change: p.Gln78Arg; replaces glutamine 78 with arginine.
Molecular consequence: missense variant.
Genome position (GRCh38, 1-based): chr10:123,155,695, A>G. VCF-style: chr10-123155695-A-G. GRCh37 (hg19) VCF-style: chr10-124915211-A-G.
Other names: c.233A>G, p.Gln78Arg (NM_001007793.3); short protein forms Q78R.
Identifiers: ClinVar variation 3483298 (VCV003483298.1).